The following is an entry in ClinVar:

ClinVar aggregate classification (germline): Uncertain significance (1 of 4 stars; one submission).

Conditions:
Inborn genetic diseases. Identifiers: MedGen C0950123, MeSH D030342.

Submission:

Ambry Genetics
Classification: Uncertain significance for Inborn genetic diseases. Last evaluated: 2024-02-02. Review status: criteria provided, single submitter. Criteria: Ambry Variant Classification Scheme 2023. Collection method: clinical testing. Allele origin: germline.
Comment: The p.T1767S variant (also known as c.5299A>T), located in coding exon 31 of the ATR gene, results from an A to T substitution at nucleotide position 5299. The threonine at codon 1767 is replaced by serine, an amino acid with similar properties. This amino acid position is conserved. In addition, this alteration is predicted to be tolerated by in silico analysis. Based on the available evidence, the clinical significance of this alteration remains unclear.

NM_001184.4(ATR):c.5299A>T (p.Thr1767Ser)

Gene: ATR (ATR checkpoint kinase; minus strand). Cytogenetic location: 3q23.
Variant type: single nucleotide variant.
Coding change: c.5299A>T on transcript NM_001184.4 (MANE Select); coding-DNA position 5299, A replaced by T.
Protein change: p.Thr1767Ser; replaces threonine 1767 with serine.
Molecular consequence: missense variant.
Genome position (GRCh38, 1-based): chr3:142,499,708, T>A on the plus strand (A>T on the coding strand, the complement: ATR is on the minus strand). VCF-style: chr3-142499708-T-A. GRCh37 (hg19) VCF-style: chr3-142218550-T-A.
Other names: c.5107A>T, p.Thr1703Ser (NM_001354579.2); short protein forms T1703S, T1767S.
Identifiers: ClinVar variation 3221205 (VCV003221205.1), dbSNP rs758533553, ClinGen allele CA84763078.